The following is an entry in ClinVar:

NM_000372.5(TYR):c.157G>T (p.Gly53Cys)

Gene: TYR (tyrosinase; plus strand). Cytogenetic location: 11q14.3.
Variant type: single nucleotide variant.
Coding change: c.157G>T on transcript NM_000372.5 (MANE Select); coding-DNA position 157, G replaced by T.
Protein change: p.Gly53Cys; replaces glycine 53 with cysteine.
Molecular consequence: missense variant.
Genome position (GRCh38, 1-based): chr11:89,178,110, G>T. VCF-style: chr11-89178110-G-T. GRCh37 (hg19) VCF-style: chr11-88911278-G-T.
Other names: short protein forms G53C.
Identifiers: ClinVar variation 627594 (VCV000627594.7), dbSNP rs1591133731, ClinGen allele CA382033587.
Genomic context (GRCh38, chr11:89,178,110, plus strand): 5'-AAGGAATGCTGTCCACCGTGGAGCGGGGACAGGAGTCCCTGTGGCCAGCTTTCAGGCAGA[G>T]GTTCCTGTCAGAATATCCTTCTGTCCAATGCACCACTTGGGCCTCAATTTCCCTTCACAG-3'
Protein context (NP_000363.1, residues 43-63): RSPCGQLSGR[Gly53Cys]SCQNILLSNA

ClinVar aggregate classification (germline): Pathogenic/Likely pathogenic. Review status: criteria provided, multiple submitters, no conflicts (2 of 4 stars). 3 submissions from 3 submitters: Pathogenic (1); Likely pathogenic (1). 1 of the submissions does not count toward it. Last evaluated 2025-01-01.

Conditions:
Oculocutaneous albinism type 1A (OCA1A). Also called: Albinism, oculocutaneous, type IA. Identifiers: Orphanet 352731, Orphanet 79431, MedGen C4551504, MONDO:0008745, OMIM 203100. Disease mechanism: loss of function.
Oculocutaneous albinism type 1B (OCA1B). Also called: ALBINISM, YELLOW MUTANT TYPE; YELLOW ALBINISM; ALBINISM, OCULOCUTANEOUS, TYPE IB. Identifiers: Orphanet 352731, Orphanet 352737, Orphanet 79434, MedGen C1847024, MONDO:0011749, OMIM 606952.

Submissions (3):

Laboratory of Genetic Epidemiology, Research Centre for Medical Genetics
Classification: Likely pathogenic for Oculocutaneous albinism type 1A; Oculocutaneous albinism type 1B. Last evaluated: 2025-01-01. Review status: criteria provided, single submitter. Criteria: ACMG Guidelines, 2015. Collection method: clinical testing. Allele origin: unknown. Inheritance: Autosomal recessive inheritance. Affected: yes. Observed: 1 heterozygote.
Comment: This variant has been previously reported in the literature (PMIDs: 31229681, 32552135) and is not listed in gnomAD v3.1.2. Other pathogenic missense variants are described in this position, the affected amino acid position is evolutionarily conserved, and multiple in silico prediction tools support a deleterious effect. We assume that this variant is highly likely to be in trans-position with the nonsense variant NM_000372.5:c.1204C>T, p.(Arg402Ter) in proband; therefore, based on the literature (PMID: 30311386), we apply the ACMG pathogenic criterion PM3 Supporting. Taken together, the variant meets the following ACMG/AMP criteria and can be classified as as likely pathogenic with PM2, PP3, PM3, PP5, PP4 criteria.

Labcorp Genetics (formerly Invitae), Labcorp
Classification: Pathogenic. Last evaluated: 2023-07-17. Review status: criteria provided, single submitter. Criteria: Invitae Variant Classification Sherloc (09022015). Collection method: clinical testing. Allele origin: germline.
Comment: For these reasons, this variant has been classified as Pathogenic. This variant disrupts the p.Gly53 amino acid residue in TYR. Other variant(s) that disrupt this residue have been determined to be pathogenic (Invitae). This suggests that this residue is clinically significant, and that variants that disrupt this residue are likely to be disease-causing. Advanced modeling of protein sequence and biophysical properties (such as structural, functional, and spatial information, amino acid conservation, physicochemical variation, residue mobility, and thermodynamic stability) performed at Invitae indicates that this missense variant is expected to disrupt TYR protein function. ClinVar contains an entry for this variant (Variation ID: 627594). This missense change has been observed in individual(s) with oculocutaneous albinism (PMID: 31229681, 32552135). In at least one individual the data is consistent with being in trans (on the opposite chromosome) from a pathogenic variant. This variant is not present in population databases (gnomAD no frequency). This sequence change replaces glycine, which is neutral and non-polar, with cysteine, which is neutral and slightly polar, at codon 53 of the TYR protein (p.Gly53Cys).

Center of Medical Genetics, Central South University
Classification: Likely pathogenic for Oculocutaneous albinism type 1A. Last evaluated: 2019-03-26. Review status: no assertion criteria provided. Criteria: ACMG Guidelines, 2015. Collection method: clinical testing. Allele origin: germline. Affected: yes. Not counted in ClinVar's aggregate classification.

Literature cited by the submitters: PubMed 41428507 (cited by Laboratory of Genetic Epidemiology, Research Centre for Medical Genetics); PubMed 31229681 (cited by Labcorp Genetics (formerly Invitae), Labcorp); PubMed 32552135 (cited by Labcorp Genetics (formerly Invitae), Labcorp).